The following is an entry in ClinVar:

NM_001018113.3(FANCB):c.552G>A (p.Leu184=)

Gene: FANCB (FA complementation group B; minus strand). Cytogenetic location: Xp22.2.
Variant type: single nucleotide variant.
Coding change: c.552G>A on transcript NM_001018113.3 (MANE Select); coding-DNA position 552, G replaced by A.
Protein change: p.Leu184=; no amino-acid change (leucine 184 retained).
Molecular consequence: synonymous variant.
Genome position (GRCh38, 1-based): chrX:14,864,959, C>T on the plus strand (G>A on the coding strand, the complement: FANCB is on the minus strand). VCF-style: chrX-14864959-C-T. GRCh37 (hg19) VCF-style: chrX-14883081-C-T.
Other names: c.552G>A, p.Leu184= (NM_001324162.2, NM_152633.4); c.552G>A (NM_001018113.2).
Identifiers: ClinVar variation 567737 (VCV000567737.15), dbSNP rs771998496, ClinGen allele CA10353193.

ClinVar aggregate classification (germline): Benign/Likely benign. Review status: criteria provided, multiple submitters, no conflicts (2 of 4 stars). 3 submissions from 3 submitters: Benign (1); Likely benign (1). 1 of the submissions does not count toward it. Last evaluated 2026-01-20.

Conditions:
Fanconi anemia (FA). Also called: Fanconi's anemia. Identifiers: Orphanet 84, MedGen C0015625, MeSH D005199, MONDO:0019391.
FANCB-related disorder. Also called: FANCB-related condition.

Allele frequency attached by ClinVar (database versions not stated): gnomAD exomes 0.00001 and 0.00002; ExAC 0.00002; TOPMed 0.00002.
gnomAD v4.1: 13 of 1,210,980 alleles (0.0011%); highest among the groups gnomAD compares: East Asian, 0.003%; no homozygotes.

Submissions (6):

Labcorp Genetics (formerly Invitae), Labcorp
Classification: Benign for Fanconi anemia. Last evaluated: 2026-01-20. Review status: criteria provided, single submitter. Criteria: Invitae Variant Classification Sherloc (09022015). Collection method: clinical testing. Allele origin: germline.

Blueprint Genetics
Classification: Likely benign. Last evaluated: 2022-07-12. Review status: criteria provided, single submitter. Criteria: ACMG Guidelines, 2015. Collection method: clinical testing. Allele origin: germline.

PreventionGenetics, part of Exact Sciences
Classification: Likely benign for FANCB-related condition. Last evaluated: 2023-09-20. Review status: no assertion criteria provided. Collection method: clinical testing. Allele origin: germline. Not counted in ClinVar's aggregate classification.
Comment: This variant is classified as likely benign based on ACMG/AMP sequence variant interpretation guidelines (Richards et al. 2015 PMID: 25741868, with internal and published modifications).

Dr. Peter K. Rogan Lab, Western University
No classification provided (evidence only). Condition: Clear cell carcinoma of kidney. Review status: no classification provided. Collection method: in vitro. Allele origin: not applicable. Functional consequence: retained intron. Not counted in ClinVar's aggregate classification.

Dr. Peter K. Rogan Lab, Western University
No classification provided (evidence only). Condition: Nonpapillary renal cell carcinoma. Review status: no classification provided. Collection method: in vitro. Allele origin: not applicable. Functional consequence: retained intron. Not counted in ClinVar's aggregate classification.

Dr. Peter K. Rogan Lab, Western University
No classification provided (evidence only). Condition: Nonpapillary renal cell carcinoma. Review status: no classification provided. Collection method: in vitro. Allele origin: not applicable. Functional consequence: retained intron. Not counted in ClinVar's aggregate classification.